The following is an entry in ClinVar:

NM_000532.5(PCCB):c.73G>A (p.Val25Ile)

Gene: PCCB (propionyl-CoA carboxylase subunit beta; plus strand). Cytogenetic location: 3q22.3.
Variant type: single nucleotide variant.
Coding change: c.73G>A on transcript NM_000532.5 (MANE Select); coding-DNA position 73, G replaced by A.
Protein change: p.Val25Ile; replaces valine 25 with isoleucine.
Molecular consequence: missense variant.
Genome position (GRCh38, 1-based): chr3:136,250,448, G>A. VCF-style: chr3-136250448-G-A. GRCh37 (hg19) VCF-style: chr3-135969290-G-A.
Other names: c.73G>A, p.Val25Ile (NM_001178014.2); short protein forms V25I.
Identifiers: ClinVar variation 2171971 (VCV002171971.2), dbSNP rs968929973, ClinGen allele CA84265575.

ClinVar aggregate classification (germline): Uncertain significance. Review status: criteria provided, multiple submitters, no conflicts (2 of 4 stars). 2 submissions from 2 submitters: Uncertain significance (2). Last evaluated 2024-03-22.

Conditions:
Propionic acidemia (PROP). Also called: GLYCINEMIA, KETOTIC; HYPERGLYCINEMIA WITH KETOACIDOSIS AND LEUKOPENIA; KETOTIC HYPERGLYCINEMIA. Identifiers: Orphanet 35, MedGen C0268579, MONDO:0011628, OMIM 606054, HP:0003571.

Allele frequency attached by ClinVar (database versions not stated): gnomAD 0.00001.
gnomAD v4.1: 4 of 1,604,364 alleles (0.00025%); highest among the groups gnomAD compares: African/African-American, 0.0027%; no homozygotes.

Submissions (2):

Blueprint Genetics
Classification: Uncertain significance. Last evaluated: 2024-03-22. Review status: criteria provided, single submitter. Criteria: ACMG Guidelines, 2015. Collection method: clinical testing. Allele origin: germline.

Labcorp Genetics (formerly Invitae), Labcorp
Classification: Uncertain significance for Propionic acidemia. Last evaluated: 2022-08-24. Review status: criteria provided, single submitter. Criteria: Invitae Variant Classification Sherloc (09022015). Collection method: clinical testing. Allele origin: germline.
Comment: This sequence change replaces valine, which is neutral and non-polar, with isoleucine, which is neutral and non-polar, at codon 25 of the PCCB protein (p.Val25Ile). This variant is present in population databases (no rsID available, gnomAD 0.01%). This variant has not been reported in the literature in individuals affected with PCCB-related conditions. Advanced modeling of protein sequence and biophysical properties (such as structural, functional, and spatial information, amino acid conservation, physicochemical variation, residue mobility, and thermodynamic stability) performed at Invitae indicates that this missense variant is not expected to disrupt PCCB protein function. In summary, the available evidence is currently insufficient to determine the role of this variant in disease. Therefore, it has been classified as a Variant of Uncertain Significance.